The following is an entry in ClinVar:

NM_000397.4(CYBB):c.171A>G (p.Ala57=)

Gene: CYBB (cytochrome b-245 beta chain; plus strand). Cytogenetic location: Xp21.1.
Variant type: single nucleotide variant.
Coding change: c.171A>G on transcript NM_000397.4 (MANE Select); coding-DNA position 171, A replaced by G.
Protein change: p.Ala57=; no amino-acid change (alanine 57 retained).
Molecular consequence: synonymous variant.
Genome position (GRCh38, 1-based): chrX:37,783,519, A>G. VCF-style: chrX-37783519-A-G. GRCh37 (hg19) VCF-style: chrX-37642772-A-G.
Other names: c.171A>G (NM_000397.3).
Identifiers: ClinVar variation 1167478 (VCV001167478.9), dbSNP rs781824754, ClinGen allele CA10383674.

ClinVar aggregate classification (germline): Benign. Review status: criteria provided, single submitter (1 of 4 stars). 3 submissions from 3 submitters: Benign (1). 2 of the submissions do not count toward it. Last evaluated 2025-03-05.

Conditions:
Chronic granulomatous disease. Identifiers: Orphanet 379, MedGen C0018203, MONDO:0018305.
CYBB-related disorder. Also called: CYBB-related condition.
Granulomatous disease, chronic, X-linked. Also called: GRANULOMATOUS DISEASE, CHRONIC, X-LINKED, SOMATIC MOSAIC; CYTOCHROME b-NEGATIVE GRANULOMATOUS DISEASE, CHRONIC, X-LINKED. Identifiers: Orphanet 379, MedGen C1844376, MONDO:0010600, OMIM 306400.

Allele frequency attached by ClinVar (database versions not stated): gnomAD exomes 0.00001 and 0.00004; ExAC 0.00003; TOPMed 0.00004.
gnomAD v4.1: 15 of 1,209,561 alleles (0.0012%); highest among the groups gnomAD compares: Admixed American, 0.011%; no homozygotes.

Submissions (3):

Labcorp Genetics (formerly Invitae), Labcorp
Classification: Benign for Granulomatous disease, chronic, X-linked. Last evaluated: 2025-03-05. Review status: criteria provided, single submitter. Criteria: Invitae Variant Classification Sherloc (09022015). Collection method: clinical testing. Allele origin: germline.

PreventionGenetics, part of Exact Sciences
Classification: Likely benign for CYBB-related condition. Last evaluated: 2024-07-18. Review status: no assertion criteria provided. Collection method: clinical testing. Allele origin: germline. Not counted in ClinVar's aggregate classification.
Comment: This variant is classified as likely benign based on ACMG/AMP sequence variant interpretation guidelines (Richards et al. 2015 PMID: 25741868, with internal and published modifications).

Natera, Inc.
Classification: Likely benign for Chronic granulomatous disease. Last evaluated: 2020-01-30. Review status: no assertion criteria provided. Collection method: clinical testing. Allele origin: germline. Not counted in ClinVar's aggregate classification.